The following is an entry in ClinVar:

NM_002578.5(PAK3):c.1110+1G>T

Gene: PAK3 (p21 (RAC1) activated kinase 3; plus strand). Cytogenetic location: Xq23.
Variant type: single nucleotide variant.
Coding change: c.1110+1G>T on transcript NM_002578.5 (MANE Select); the canonical splice donor site of the intron after coding-DNA position 1110, G replaced by T.
Molecular consequence: splice donor variant.
Genome position (GRCh38, 1-based): chrX:111,194,419, G>T. VCF-style: chrX-111194419-G-T. GRCh37 (hg19) VCF-style: chrX-110437647-G-T.
Other names: c.1155+1G>T (NM_001324328.2, NM_001128173.3, NM_001324329.2 and 2 more transcripts); c.1110+1G>T (NM_001324326.2, NM_001128166.3, NM_001324325.2 and 5 more transcripts); c.1173+1G>T (NM_001128172.2); c.1218+1G>T (NM_001128168.3).
Identifiers: ClinVar variation 4846883 (VCV004846883.1).

ClinVar aggregate classification (germline): Likely pathogenic (1 of 4 stars; one submission).

Conditions:
Intellectual developmental disorder, X-linked 30. Also called: MENTAL RETARDATION, X-LINKED 47; Intellectual disability, X-linked 30. Identifiers: Orphanet 777, MedGen C0796237, MONDO:0010361, OMIM 300558.

Submission:

Laboratorio de Genetica e Diagnostico Molecular, Hospital Israelita Albert Einstein
Classification: Likely pathogenic for Intellectual developmental disorder, X-linked 30. Last evaluated: 2025-12-16. Review status: criteria provided, single submitter. Criteria: ACMG Guidelines, 2015. Collection method: clinical testing. Allele origin: germline. Affected: yes.
Comment: ACMG classification criteria: PVS1 very strong, PM2 supporting